The following is an entry in ClinVar:

ClinVar aggregate classification (germline): Uncertain significance. Review status: criteria provided, single submitter (1 of 4 stars). 2 submissions from 2 submitters: Uncertain significance (1). 1 of the submissions does not count toward it. Last evaluated 2022-08-16.

Conditions:
Autosomal recessive limb-girdle muscular dystrophy type 2O. Also called: MUSCULAR DYSTROPHY-DYSTROGLYCANOPATHY (LIMB-GIRDLE), TYPE C, 3; MUSCULAR DYSTROPHY-DYSTROGLYCANOPATHY, LIMB-GIRDLE, POMGNT1-RELATED; Limb-Girdle Muscular Dystrophy Type 3C. Identifiers: Orphanet 206564, MedGen C3150417, MONDO:0013161, OMIM 613157.
Muscular dystrophy-dystroglycanopathy (congenital with impaired intellectual development), type B, 3. Also called: Muscular dystrophy-dystroglycanopathy (congenital with intellectual disability), type B3; MUSCULAR DYSTROPHY, CONGENITAL, POMGNT1-RELATED. Identifiers: MedGen C3150412, MONDO:0013155, OMIM 613151.
Muscle eye brain disease (MEB). Also called: Santavuori congenital muscular dystrophy. Identifiers: Orphanet 588, Orphanet 899, MedGen C0457133, MONDO:0018939.

Submissions (2):

Labcorp Genetics (formerly Invitae), Labcorp
Classification: Uncertain significance for Autosomal recessive limb-girdle muscular dystrophy type 2O; Muscular dystrophy-dystroglycanopathy (congenital with impaired intellectual development), type B, 3. Last evaluated: 2022-08-16. Review status: criteria provided, single submitter. Criteria: Invitae Variant Classification Sherloc (09022015). Collection method: clinical testing. Allele origin: germline.
Comment: This sequence change replaces leucine, which is neutral and non-polar, with isoleucine, which is neutral and non-polar, at codon 472 of the POMGNT1 protein (p.Leu472Ile). This variant is not present in population databases (gnomAD no frequency). This variant has not been reported in the literature in individuals affected with POMGNT1-related conditions. ClinVar contains an entry for this variant (Variation ID: 957708). Algorithms developed to predict the effect of missense changes on protein structure and function are either unavailable or do not agree on the potential impact of this missense change (SIFT: "Deleterious"; PolyPhen-2: "Benign"; Align-GVGD: "Class C0"). In summary, the available evidence is currently insufficient to determine the role of this variant in disease. Therefore, it has been classified as a Variant of Uncertain Significance.

Natera, Inc.
Classification: Uncertain significance for Muscle-eye-brain disease. Last evaluated: 2020-10-06. Review status: no assertion criteria provided. Collection method: clinical testing. Allele origin: germline. Not counted in ClinVar's aggregate classification.

NM_017739.4(POMGNT1):c.1414C>A (p.Leu472Ile)

Genes: POMGNT1 (protein O-linked mannose N-acetylglucosaminyltransferase 1 (beta 1,2-); minus strand), TSPAN1 (tetraspanin 1; plus strand). Cytogenetic location: 1p34.1.
Variant type: single nucleotide variant.
Coding change: c.1414C>A on transcript NM_017739.4 (MANE Select); coding-DNA position 1414, C replaced by A.
Protein change: p.Leu472Ile; replaces leucine 472 with isoleucine.
Molecular consequence: missense variant.
Genome position (GRCh38, 1-based): chr1:46,192,223, G>T on the plus strand (C>A on the coding strand, the complement: POMGNT1 is on the minus strand). VCF-style: chr1-46192223-G-T. GRCh37 (hg19) VCF-style: chr1-46657895-G-T.
Other names: c.1348C>A, p.Leu450Ile (NM_001290129.3); c.985C>A, p.Leu329Ile (NM_001290130.2); c.1414C>A, p.Leu472Ile (NM_001410783.1, NM_001243766.2); short protein forms L472I, L329I, L450I.
Identifiers: ClinVar variation 957708 (VCV000957708.6), dbSNP rs1253221637, ClinGen allele CA340174487.